The following is an entry in ClinVar:

NM_016263.4(FZR1):c.559G>A (p.Asp187Asn)

Gene: FZR1 (fizzy and cell division cycle 20 related 1; plus strand). Cytogenetic location: 19p13.3.
Variant type: single nucleotide variant.
Coding change: c.559G>A on transcript NM_016263.4 (MANE Select); coding-DNA position 559, G replaced by A.
Protein change: p.Asp187Asn; replaces aspartic acid 187 with asparagine.
Molecular consequence: missense variant. On other transcripts: intron variant (1).
Genome position (GRCh38, 1-based): chr19:3,527,719, G>A. VCF-style: chr19-3527719-G-A. GRCh37 (hg19) VCF-style: chr19-3527717-G-A.
Other names: c.559G>A, p.Asp187Asn (NM_001136198.1); c.387+1333G>A (NM_001136197.1); short protein forms D187N.
Identifiers: ClinVar variation 1802184 (VCV001802184.3), dbSNP rs2512277057, ClinGen allele CA403328129.

ClinVar aggregate classification (germline): Uncertain significance. Review status: criteria provided, single submitter (1 of 4 stars). 2 submissions from 2 submitters: Uncertain significance (1). 1 of the submissions does not count toward it. Last evaluated 2025-12-29.

Conditions:
Inborn genetic diseases. Identifiers: MedGen C0950123, MeSH D030342.
Developmental and epileptic encephalopathy 109 (DEE109). Identifiers: MedGen C5774263, MONDO:0859325, OMIM 620145.

Submissions (2):

Ambry Genetics
Classification: Uncertain significance for Inborn genetic diseases. Last evaluated: 2025-12-29. Review status: criteria provided, single submitter. Criteria: Ambry Variant Classification Scheme 2023. Collection method: clinical testing. Allele origin: germline.
Comment: The c.559G>A (p.D187N) alteration is located in exon 6 (coding exon 6) of the FZR1 gene. This alteration results from a G to A substitution at nucleotide position 559, causing the aspartic acid (D) at amino acid position 187 to be replaced by an asparagine (N). This variant was not reported in population-based cohorts in the Genome Aggregation Database (gnomAD). This variant was determined to be de novo in at least one individual with features consistent with FZR1-related developmental and epileptic encephalopathy (Manivannan, 2022). Other variant(s) at the same codon, c.560A>G (p.D187G), have been identified in individual(s) with features consistent with FZR1-related developmental and epileptic encephalopathy (Rodr&iacute;guez, 2019). This amino acid position is highly conserved in available vertebrate species. In multiple assays testing FZR1 function, this variant showed functionally abnormal results (Manivannan, 2022). This alteration is predicted to be tolerated by in silico analysis. Based on insufficient or conflicting evidence, the clinical significance of this alteration remains unclear.

OMIM
Classification: Pathogenic for DEVELOPMENTAL AND EPILEPTIC ENCEPHALOPATHY 109. Last evaluated: 2023-12-14. Review status: no assertion criteria provided. Collection method: literature only. Allele origin: germline. Not counted in ClinVar's aggregate classification.

Literature cited by the submitters: PubMed 31318984 (cited by Ambry Genetics); PubMed 34788397 (cited by Ambry Genetics); Manivannan, S. N., Roovers, J., Smal, N., Myers, C. T., Turkdogan, D., Roelens, F., Kanca, O., Chung, H.-L., Scholz, T., Hermann, K., Bierhals, T., Caglayan, H. S., Stamberger, H., MAE Working Group of EuroEPINOMICS RES Consortium, Mefford, H., de Jonghe, P., Yamamoto, S., Weckhuysen, S., Bellen, H. J. De novo FZR1 loss-of-function variants cause developmental and epileptic encephalopathies. Brain 145: 1684-1697, 2022. (cited by OMIM).